The following is an entry in ClinVar:

NM_001029883.3(PCARE):c.3108del (p.Arg1037fs)

Gene: PCARE (photoreceptor cilium actin regulator; minus strand). Cytogenetic location: 2p23.2.
Variant type: Deletion.
Coding change: c.3108del on transcript NM_001029883.3 (MANE Select); coding-DNA position 3108, one base deleted (C; older notation c.3108delC).
Protein change: p.Arg1037fs; shifts the reading frame from arginine 1037.
Molecular consequence: frameshift variant.
Genome position (GRCh38, 1-based): chr2:29,071,154, G deleted on the plus strand (C on the coding strand, the reverse complement: PCARE is on the minus strand); the first of 4 consecutive G bases (chr2:29,071,154-29,071,157); deleting any one gives the same sequence. VCF-style (leftmost placement, unchanged base first): chr2-29071153-TG-T. GRCh37 (hg19) VCF-style: chr2-29294019-TG-T.
Other names: short protein forms R1037fs.
Identifiers: ClinVar variation 3382195 (VCV003382195.2).

ClinVar aggregate classification (germline): Likely pathogenic (1 of 4 stars; one submission).

Conditions:
Retinitis pigmentosa 54 (RP54). Identifiers: Orphanet 791, MedGen C3150691, MONDO:0013263, OMIM 613428.

Submission:

Juno Genomics, Hangzhou Juno Genomics, Inc
Classification: Likely pathogenic for Retinitis pigmentosa 54. Review status: criteria provided, single submitter. Criteria: ACMG Guidelines, 2015. Collection method: clinical testing. Allele origin: germline. Affected: yes.
Comment: Absent from controls (or at extremely low frequency if recessive) in Genome Aggregation Database, Exome Sequencing Project, 1000 Genomes Project, or Exome Aggregation Consortium.;Null variant in a gene where loss of function (LOF) is a known mechanism of disease.